The following is an entry in ClinVar:

NM_000128.4(F11):c.663del (p.Asp222fs)

Gene: F11 (coagulation factor XI; plus strand). Cytogenetic location: 4q35.2.
Variant type: Deletion.
Coding change: c.663del on transcript NM_000128.4 (MANE Select); coding-DNA position 663, one base deleted (C; older notation c.663delC).
Protein change: p.Asp222fs; shifts the reading frame from aspartic acid 222.
Molecular consequence: frameshift variant.
Genome position (GRCh38, 1-based): chr4:186,276,298, C deleted; the last of 3 consecutive C bases (chr4:186,276,296-186,276,298); deleting any one gives the same sequence. VCF-style (leftmost placement, unchanged base first): chr4-186276295-TC-T. GRCh37 (hg19) VCF-style: chr4-187197449-TC-T.
Other names: c.663delC, p.Asp222Metfs (NM_000128.3); short protein forms D222fs.
Identifiers: ClinVar variation 4067817 (VCV004067817.2).

ClinVar aggregate classification (germline): Likely pathogenic (1 of 4 stars; one submission).

Conditions:
Plasma factor XI deficiency.

Submission:

Natera, Inc.
Classification: Likely pathogenic for Plasma factor XI deficiency. Last evaluated: 2025-08-19. Review status: criteria provided, single submitter. Criteria: Natera Variant Classification Schema (03/2026). Collection method: clinical testing. Allele origin: germline.
Comment: The c.663del variant in F11 is a frameshift variant predicted to shift the reading frame beginning at codon 222 and leads to a stop codon 127 codons downstream. This variant is expected to result in nonsense mediated decay, truncation, or a dysfunctional protein product. This variant is rare in the general population with a frequency below the threshold expected for the associated phenotype(s). Given the available evidence, this variant is classified as Likely Pathogenic.